The following is an entry in ClinVar:

NM_003476.5(CSRP3):c.200G>A (p.Gly67Asp)

Gene: CSRP3 (cysteine and glycine rich protein 3; minus strand). Cytogenetic location: 11p15.1.
Variant type: single nucleotide variant.
Coding change: c.200G>A on transcript NM_003476.5 (MANE Select); coding-DNA position 200, G replaced by A.
Protein change: p.Gly67Asp; replaces glycine 67 with aspartic acid.
Molecular consequence: missense variant. On other transcripts: intron variant (1).
Genome position (GRCh38, 1-based): chr11:19,188,217, C>T on the plus strand (G>A on the coding strand, the complement: CSRP3 is on the minus strand). VCF-style: chr11-19188217-C-T. GRCh37 (hg19) VCF-style: chr11-19209764-C-T.
Other names: c.200G>A, p.Gly67Asp (NM_001127656.1); c.113-1869G>A (NM_001369404.1); short protein forms G67D.
Identifiers: ClinVar variation 1784385 (VCV001784385.3), dbSNP rs2494223440, ClinGen allele CA379888274.

ClinVar aggregate classification (germline): Uncertain significance (1 of 4 stars; one submission).

Conditions:
Cardiovascular phenotype. Identifiers: MedGen CN230736.

Submission:

Ambry Genetics
Classification: Uncertain significance for Cardiovascular phenotype. Last evaluated: 2024-05-12. Review status: criteria provided, single submitter. Criteria: Ambry Variant Classification Scheme 2023. Collection method: clinical testing. Allele origin: germline.
Comment: The p.G67D variant (also known as c.200G>A), located in coding exon 2 of the CSRP3 gene, results from a G to A substitution at nucleotide position 200. The glycine at codon 67 is replaced by aspartic acid, an amino acid with similar properties. This amino acid position is highly conserved in available vertebrate species. In addition, this alteration is predicted to be deleterious by in silico analysis. Since supporting evidence is limited at this time, the clinical significance of this alteration remains unclear.